The following is an entry in ClinVar:

NM_005334.3(HCFC1):c.214C>A (p.Pro72Thr)

Gene: HCFC1 (host cell factor C1; minus strand). Cytogenetic location: Xq28.
Variant type: single nucleotide variant.
Coding change: c.214C>A on transcript NM_005334.3 (MANE Select); coding-DNA position 214, C replaced by A.
Protein change: p.Pro72Thr; replaces proline 72 with threonine.
Molecular consequence: missense variant.
Genome position (GRCh38, 1-based): chrX:153,964,706, G>T on the plus strand (C>A on the coding strand, the complement: HCFC1 is on the minus strand). VCF-style: chrX-153964706-G-T. GRCh37 (hg19) VCF-style: chrX-153230157-G-T.
Other names: c.214C>A, p.Pro72Thr (NM_001440843.1, NM_001440844.1, NM_001440845.1 and 7 more transcripts); short protein forms P72T.
Identifiers: ClinVar variation 4823492 (VCV004823492.4).
Genomic context (GRCh38, chrX:153,964,706, plus strand): 5'-TCCCGTCACACACGAAGCCATAGGCTGCACACCCAGGGGGAATGTCCCCCCTCACGGCTG[G>T]GATGAACCACTGGTTGGTTGCTGGGGAACAGAAGGAGGCAGAAGTCAGAACACCCGGGAG-3'
Protein context (NP_005325.2, residues 62-82): YNTATNQWFI[Pro72Thr]AVRGDIPPGC

ClinVar aggregate classification (germline): Likely pathogenic (1 of 4 stars; one submission).

Submission:

CeGaT Center for Human Genetics Tuebingen
Classification: Likely pathogenic. Last evaluated: 2026-02-01. Review status: criteria provided, single submitter. Criteria: CeGaT Center For Human Genetics Tuebingen Variant Classification Criteria Version 2. Collection method: clinical testing. Allele origin: germline. Affected: yes. Observed: 1 variant allele.
Comment: HCFC1: PM1, PM2, PP2, PP3